The following is an entry in ClinVar:

NM_005219.5(DIAPH1):c.2233A>G (p.Met745Val)

Gene: DIAPH1 (diaphanous related formin 1; minus strand). Cytogenetic location: 5q31.3.
Variant type: single nucleotide variant.
Coding change: c.2233A>G on transcript NM_005219.5 (MANE Select); coding-DNA position 2233, A replaced by G.
Protein change: p.Met745Val; replaces methionine 745 with valine.
Molecular consequence: missense variant.
Genome position (GRCh38, 1-based): chr5:141,573,617, T>C on the plus strand (A>G on the coding strand, the complement: DIAPH1 is on the minus strand). VCF-style: chr5-141573617-T-C. GRCh37 (hg19) VCF-style: chr5-140953184-T-C.
Other names: c.2206A>G, p.Met736Val (NM_001079812.3); c.2233A>G, p.Met745Val (NM_001314007.2); short protein forms M736V, M745V.
Identifiers: ClinVar variation 2931108 (VCV002931108.3), dbSNP rs2099895524, ClinGen allele CA361517082.

ClinVar aggregate classification (germline): Uncertain significance (1 of 4 stars; one submission).

Conditions:
Progressive microcephaly-seizures-cortical blindness-developmental delay syndrome. Also called: Seizures, cortical blindness, and microcephaly syndrome. Identifiers: Orphanet 477814, MedGen C5567650, MONDO:0014714, OMIM 616632.
Autosomal dominant nonsyndromic hearing loss 1. Also called: KONIGSMARK SYNDROME; DEAFNESS, AUTOSOMAL DOMINANT 1, WITH OR WITHOUT THROMBOCYTOPENIA. Identifiers: Orphanet 90635, MedGen C1852282, MONDO:0007424, OMIM 124900.

Allele frequency attached by ClinVar (database versions not stated): gnomAD exomes below 0.00001; TOPMed below 0.00001.
gnomAD v4.1: 3 of 1,613,154 alleles (0.00019%); highest among the groups gnomAD compares: East Asian, 0.0022%; no homozygotes.

Submission:

Labcorp Genetics (formerly Invitae), Labcorp
Classification: Uncertain significance for Progressive microcephaly-seizures-cortical blindness-developmental delay syndrome; Autosomal dominant nonsyndromic hearing loss 1. Last evaluated: 2022-11-23. Review status: criteria provided, single submitter. Criteria: Invitae Variant Classification Sherloc (09022015). Collection method: clinical testing. Allele origin: germline.
Comment: In summary, the available evidence is currently insufficient to determine the role of this variant in disease. Therefore, it has been classified as a Variant of Uncertain Significance. Algorithms developed to predict the effect of missense changes on protein structure and function are either unavailable or do not agree on the potential impact of this missense change (SIFT: "Tolerated"; PolyPhen-2: "Not Available"; Align-GVGD: "Class C0"). This variant has not been reported in the literature in individuals affected with DIAPH1-related conditions. This variant is not present in population databases (gnomAD no frequency). This sequence change replaces methionine, which is neutral and non-polar, with valine, which is neutral and non-polar, at codon 745 of the DIAPH1 protein (p.Met745Val).